The following is an entry in ClinVar:

NM_152564.5(VPS13B):c.1302+2dup

Gene: VPS13B (vacuolar protein sorting 13 homolog B; plus strand). Cytogenetic location: 8q22.2.
Variant type: Duplication.
Coding change: c.1302+2dup on transcript NM_152564.5 (MANE Select); the canonical splice donor site of the intron after coding-DNA position 1302, one base duplicated (T; older notation c.1302+2dupT).
Molecular consequence: splice donor variant.
Genome position (GRCh38, 1-based): chr8:99,134,729, T duplicated. VCF-style (leftmost placement, unchanged base first): chr8-99134728-G-GT. GRCh37 (hg19) VCF-style: chr8-100146956-G-GT.
Other names: c.1302+2dup (NM_017890.5, NM_015243.3, NM_017890.4); c.1302+2dupT (NM_152564.4, NM_017890.4).
Identifiers: ClinVar variation 551111 (VCV000551111.8), dbSNP rs766708621, ClinGen allele CA4822594.

ClinVar aggregate classification (germline): Uncertain significance. Review status: criteria provided, multiple submitters, no conflicts (2 of 4 stars). 4 submissions from 4 submitters: Uncertain significance (3). 1 of the submissions does not count toward it. Last evaluated 2026-06-23.

Conditions:
Cohen syndrome (COH1). Also called: Cutis verticis gyrata, retinitis pigmentosa, and sensorineural deafness; PEPPER SYNDROME. Identifiers: Orphanet 193, MedGen C0265223, MONDO:0008999, OMIM 216550.
VPS13B-related disorder. Also called: VPS13B-related condition.

Allele frequency attached by ClinVar (database versions not stated): gnomAD exomes 0.00001; ExAC 0.00002.

Submissions (4):

PreventionGenetics, part of Exact Sciences
Classification: Uncertain significance for VPS13B-related condition. Last evaluated: 2026-06-23. Review status: criteria provided, single submitter. Criteria: ACMG Guidelines, 2015. Collection method: clinical testing. Allele origin: germline.
Comment: The VPS13B c.1302+2dupT variant is predicted to result in an intronic duplication. This variant is predicted to impact splicing based on a computational splicing prediction program (SpliceAI, Jaganathan et al. 2019. PubMed ID: 30661751). However, the impact of this variant has not been functionally validated. To our knowledge, this variant has not been reported in the literature. This variant is reported in 0.0018% of alleles in individuals of European (Non-Finnish) descent in gnomAD. At this time, the clinical significance of this variant is uncertain due to the absence of conclusive functional and genetic evidence.

Revvity Omics, Revvity
Classification: Uncertain significance for Cohen syndrome. Last evaluated: 2025-02-11. Review status: criteria provided, single submitter. Criteria: ACMG Guidelines, 2015. Collection method: clinical testing. Allele origin: germline.

Labcorp Genetics (formerly Invitae), Labcorp
Classification: Uncertain significance for Cohen syndrome. Last evaluated: 2022-08-21. Review status: criteria provided, single submitter. Criteria: Invitae Variant Classification Sherloc (09022015). Collection method: clinical testing. Allele origin: germline.
Comment: Variants that disrupt the consensus splice site are a relatively common cause of aberrant splicing (PMID: 17576681, 9536098). Algorithms developed to predict the effect of sequence changes on RNA splicing suggest that this variant may disrupt the consensus splice site. In summary, the available evidence is currently insufficient to determine the role of this variant in disease. Therefore, it has been classified as a Variant of Uncertain Significance. ClinVar contains an entry for this variant (Variation ID: 551111). This variant has not been reported in the literature in individuals affected with VPS13B-related conditions. This variant is present in population databases (rs766708621, gnomAD 0.002%). This sequence change falls in intron 9 of the VPS13B gene. It does not directly change the encoded amino acid sequence of the VPS13B protein. It affects a nucleotide within the consensus splice site.

Counsyl
Classification: Uncertain significance for Cohen syndrome. Last evaluated: 2017-03-24. Review status: no assertion criteria provided. Collection method: clinical testing. Allele origin: unknown. Not counted in ClinVar's aggregate classification.

Literature cited by the submitters: PubMed 17576681 (cited by Labcorp Genetics (formerly Invitae), Labcorp); PubMed 9536098 (cited by Labcorp Genetics (formerly Invitae), Labcorp).